The following is an entry in ClinVar:

ClinVar aggregate classification (germline): Uncertain significance (1 of 4 stars; one submission).

Conditions:
Inborn genetic diseases. Identifiers: MedGen C0950123, MeSH D030342.

gnomAD v4.1: 1 of 1,613,790 alleles (0.000062%); highest among the groups gnomAD compares: African/African-American, 0.0013%; no homozygotes.

Submission:

Ambry Genetics
Classification: Uncertain significance for Inborn genetic diseases. Last evaluated: 2026-02-23. Review status: criteria provided, single submitter. Criteria: Ambry Variant Classification Scheme 2023. Collection method: clinical testing. Allele origin: germline.
Comment: The p.G182R variant (also known as c.544G>A), located in coding exon 4 of the MECOM gene, results from a G to A substitution at nucleotide position 544. The glycine at codon 182 is replaced by arginine, an amino acid with dissimilar properties. This amino acid position is conserved. In addition, the in silico prediction for this alteration is inconclusive. Based on the available evidence, the clinical significance of this variant remains unclear.

NM_004991.4(MECOM):c.544G>A (p.Gly182Arg)

Gene: MECOM (MDS1 and EVI1 complex locus; minus strand). Cytogenetic location: 3q26.2.
Variant type: single nucleotide variant.
Coding change: c.544G>A on transcript NM_004991.4 (MANE Select); coding-DNA position 544, G replaced by A.
Protein change: p.Gly182Arg; replaces glycine 182 with arginine.
Molecular consequence: missense variant. On other transcripts: 5 prime UTR variant (12).
Genome position (GRCh38, 1-based): chr3:169,131,498, C>T on the plus strand (G>A on the coding strand, the complement: MECOM is on the minus strand). VCF-style: chr3-169131498-C-T. GRCh37 (hg19) VCF-style: chr3-168849286-C-T.
Other names: c.172G>A, p.Gly58Arg (NM_001105077.4); c.-21G>A (NM_001105078.4, NM_001163999.2, NM_001164000.2 and 9 more transcripts); c.544G>A, p.Gly182Arg (NM_001366466.2, NM_001366473.2); short protein forms G182R, G58R.
Identifiers: ClinVar variation 4826695 (VCV004826695.1).
Genomic context (GRCh38, chr3:169,131,498, plus strand): 5'-CCGGCGCCATAGTTTCATGGGGATAGTCTTCGCTCTTCATGAACAGCAGAAGCTCCTCTC[C>T]CGGCGCAATGTCTGCAACTACTCTATAGAATATCTTTAAAGACAAAATAAAGGTGGATGG-3'
Protein context (NP_004982.2, residues 172-192): FYRVVADIAP[Gly182Arg]EELLLFMKSE